The following is an entry in ClinVar:

NC_000014.8:g.(?_58894347)_(59014694_?)dup

Gene: KIAA0586 (KIAA0586; plus strand). Cytogenetic location: 14q23.1.
Variant type: Duplication.
Identifiers: ClinVar variation 2424020 (VCV002424020.3).

ClinVar aggregate classification (germline): Uncertain significance (1 of 4 stars; one submission).

Conditions:
Joubert syndrome 23 (JBTS23). Identifiers: Orphanet 475, MedGen C4084822, MONDO:0014664, OMIM 616490.
Short-rib thoracic dysplasia 14 with polydactyly (SRTD14). Identifiers: Orphanet 397715, MedGen C4225286, MONDO:0014688, OMIM 616546.

Submission:

Labcorp Genetics (formerly Invitae), Labcorp
Classification: Uncertain significance for Joubert syndrome 23; Short-rib thoracic dysplasia 14 with polydactyly. Last evaluated: 2022-08-09. Review status: criteria provided, single submitter. Criteria: Invitae Variant Classification Sherloc (09022015). Collection method: clinical testing. Allele origin: germline.
Comment: A copy number gain of the genomic region encompassing the full coding sequence of the KIAA0586 gene has been identified. The boundaries of this event are unknown as they extend beyond the assayed region for this gene and therefore may encompass additional genes. As the precise location of this event is unknown, it may be in tandem or it may be located elsewhere in the genome. This variant has not been reported in the literature in individuals affected with KIAA0586-related conditions. In summary, the available evidence is currently insufficient to determine the role of this variant in disease. Therefore, it has been classified as a Variant of Uncertain Significance.